The following is an entry in ClinVar:

NM_004482.4(GALNT3):c.353C>T (p.Ser118Leu)

Gene: GALNT3 (polypeptide N-acetylgalactosaminyltransferase 3; minus strand). Cytogenetic location: 2q24.3.
Variant type: single nucleotide variant.
Coding change: c.353C>T on transcript NM_004482.4 (MANE Select); coding-DNA position 353, C replaced by T.
Protein change: p.Ser118Leu; replaces serine 118 with leucine.
Molecular consequence: missense variant.
Genome position (GRCh38, 1-based): chr2:165,770,348, G>A on the plus strand (C>T on the coding strand, the complement: GALNT3 is on the minus strand). VCF-style: chr2-165770348-G-A. GRCh37 (hg19) VCF-style: chr2-166626858-G-A.
Other names: short protein forms S118L.
Identifiers: ClinVar variation 2182351 (VCV002182351.1), dbSNP rs756423427, ClinGen allele CA1941253.

ClinVar aggregate classification (germline): Uncertain significance (1 of 4 stars; one submission).

Allele frequency attached by ClinVar (database versions not stated): gnomAD 0.00001; ExAC 0.00002; gnomAD exomes 0.00002; TOPMed 0.00002.
gnomAD v4.1: 31 of 1,614,054 alleles (0.0019%); highest among the groups gnomAD compares: Non-Finnish European, 0.0025%; no homozygotes.

Submission:

Labcorp Genetics (formerly Invitae), Labcorp
Classification: Uncertain significance. Last evaluated: 2022-09-06. Review status: criteria provided, single submitter. Criteria: Invitae Variant Classification Sherloc (09022015). Collection method: clinical testing. Allele origin: germline.
Comment: This sequence change replaces serine, which is neutral and polar, with leucine, which is neutral and non-polar, at codon 118 of the GALNT3 protein (p.Ser118Leu). This variant is present in population databases (rs756423427, gnomAD 0.002%). This variant has not been reported in the literature in individuals affected with GALNT3-related conditions. Algorithms developed to predict the effect of missense changes on protein structure and function are either unavailable or do not agree on the potential impact of this missense change (SIFT: "Deleterious"; PolyPhen-2: "Benign"; Align-GVGD: "Class C15"). In summary, the available evidence is currently insufficient to determine the role of this variant in disease. Therefore, it has been classified as a Variant of Uncertain Significance.